The following is an entry in ClinVar:

NM_001792.5(CDH2):c.410A>G (p.Glu137Gly)

Gene: CDH2 (cadherin 2; minus strand). Cytogenetic location: 18q12.1.
Variant type: single nucleotide variant.
Coding change: c.410A>G on transcript NM_001792.5 (MANE Select); coding-DNA position 410, A replaced by G.
Protein change: p.Glu137Gly; replaces glutamic acid 137 with glycine.
Molecular consequence: missense variant.
Genome position (GRCh38, 1-based): chr18:28,011,982, T>C on the plus strand (A>G on the coding strand, the complement: CDH2 is on the minus strand). VCF-style: chr18-28011982-T-C. GRCh37 (hg19) VCF-style: chr18-25591946-T-C.
Other names: c.317A>G, p.Glu106Gly (NM_001308176.2); short protein forms E106G, E137G.
Identifiers: ClinVar variation 4806396 (VCV004806396.1).

ClinVar aggregate classification (germline): Uncertain significance (1 of 4 stars; one submission).

Submission:

Labcorp Genetics (formerly Invitae), Labcorp
Classification: Uncertain significance. Last evaluated: 2026-01-13. Review status: criteria provided, single submitter. Criteria: Invitae Variant Classification Sherloc (09022015). Collection method: clinical testing. Allele origin: germline.
Comment: This sequence change replaces glutamic acid, which is acidic and polar, with glycine, which is neutral and non-polar, at codon 137 of the CDH2 protein (p.Glu137Gly). This variant is not present in population databases (gnomAD no frequency). This variant has not been reported in the literature in individuals affected with CDH2-related conditions. An algorithm developed to predict the effect of missense changes on protein structure and function (PolyPhen-2) suggests that this variant is likely to be tolerated. In summary, the available evidence is currently insufficient to determine the role of this variant in disease. Therefore, it has been classified as a Variant of Uncertain Significance.